The following is an entry in ClinVar:

NM_004559.5(YBX1):c.147C>T (p.Gly49=)

Genes: YBX1 (Y-box binding protein 1; plus strand), LOC129930347 (ATAC-STARR-seq lymphoblastoid silent region 763; plus strand). Cytogenetic location: 1p34.2.
Variant type: single nucleotide variant.
Coding change: c.147C>T on transcript NM_004559.5 (MANE Select); coding-DNA position 147, C replaced by T.
Protein change: p.Gly49=; no amino-acid change (glycine 49 retained).
Molecular consequence: synonymous variant.
Genome position (GRCh38, 1-based): chr1:42,682,712, C>T. VCF-style: chr1-42682712-C-T. GRCh37 (hg19) VCF-style: chr1-43148383-C-T.
Identifiers: ClinVar variation 3040692 (VCV003040692.2), dbSNP rs1190872059, ClinGen allele CA417389628.
Genomic context (GRCh38, chr1:42,682,712, plus strand): 5'-TACGGGCAGCGGCGCAGGGAGCGGTGGCCCGGGCGGCCTCACATCGGCGGCGCCTGCCGG[C>T]GGGGACAAGAAGGTCATCGGTGAGGACCGGACAGGGACGGGGGTGGGGCCCTCGGGCAGC-3'
Protein context (NP_004550.2, residues 39-59): PGGLTSAAPA[Gly49=]GDKKVIATKV

ClinVar aggregate classification (germline): Likely benign (0 of 4 stars; one submission).

Conditions:
YBX1-related disorder. Also called: YBX1-related condition.

Allele frequency attached by ClinVar (database versions not stated): TOPMed below 0.00001; gnomAD 0.00001; gnomAD exomes 0.00013.

Submission:

PreventionGenetics, part of Exact Sciences
Classification: Likely benign for YBX1-related condition. Last evaluated: 2023-11-22. Review status: no assertion criteria provided. Collection method: clinical testing. Allele origin: germline.
Comment: This variant is classified as likely benign based on ACMG/AMP sequence variant interpretation guidelines (Richards et al. 2015 PMID: 25741868, with internal and published modifications).